The following is an entry in ClinVar:

NM_000260.4(MYO7A):c.3612del (p.Ser1205fs)

Gene: MYO7A (myosin VIIA; plus strand). Cytogenetic location: 11q13.5.
Variant type: Deletion.
Coding change: c.3612del on transcript NM_000260.4 (MANE Select); coding-DNA position 3612, one base deleted (C; older notation c.3612delC).
Protein change: p.Ser1205fs; shifts the reading frame from serine 1205.
Molecular consequence: frameshift variant.
Genome position (GRCh38, 1-based): chr11:77,189,452, C deleted; the last of 5 consecutive C bases (chr11:77,189,448-77,189,452); deleting any one gives the same sequence. VCF-style (leftmost placement, unchanged base first): chr11-77189447-GC-G. GRCh37 (hg19) VCF-style: chr11-76900492-GC-G.
Other names: c.3612del, p.Ser1205fs (NM_001127180.2); c.3579del, p.Ser1194fs (NM_001369365.1); short protein forms S1194fs, S1205fs.
Identifiers: ClinVar variation 2727984 (VCV002727984.3), dbSNP rs2497344968, ClinGen allele CA2695214999.

ClinVar aggregate classification (germline): Pathogenic (1 of 4 stars; one submission).

Submission:

Labcorp Genetics (formerly Invitae), Labcorp
Classification: Pathogenic. Last evaluated: 2023-06-24. Review status: criteria provided, single submitter. Criteria: Invitae Variant Classification Sherloc (09022015). Collection method: clinical testing. Allele origin: germline.
Comment: For these reasons, this variant has been classified as Pathogenic. This variant has not been reported in the literature in individuals affected with MYO7A-related conditions. This variant is not present in population databases (gnomAD no frequency). This sequence change creates a premature translational stop signal (p.Ser1205Profs*27) in the MYO7A gene. It is expected to result in an absent or disrupted protein product. Loss-of-function variants in MYO7A are known to be pathogenic (PMID: 8900236, 25404053).

Literature cited by the submitters: PubMed 8900236; PubMed 25404053.